The following is an entry in ClinVar:

NM_006892.4(DNMT3B):c.2467C>G (p.Arg823Gly)

Gene: DNMT3B (DNA methyltransferase 3 beta; plus strand). Cytogenetic location: 20q11.21.
Variant type: single nucleotide variant.
Coding change: c.2467C>G on transcript NM_006892.4 (MANE Select); coding-DNA position 2467, C replaced by G.
Protein change: p.Arg823Gly; replaces arginine 823 with glycine.
Molecular consequence: missense variant.
Genome position (GRCh38, 1-based): chr20:32,807,808, C>G. VCF-style: chr20-32807808-C-G. GRCh37 (hg19) VCF-style: chr20-31395614-C-G.
Other names: c.2092C>G, p.Arg698Gly (NM_001207055.2); c.1990C>G, p.Arg664Gly (NM_001207056.2); c.2407C>G, p.Arg803Gly (NM_175848.2); c.2218C>G, p.Arg740Gly (NM_175849.2); c.2443C>G, p.Arg815Gly (NM_175850.3); short protein forms R664G, R698G, R740G, R803G, R815G, R823G.
Identifiers: ClinVar variation 1683645 (VCV001683645.2), dbSNP rs2146098171, ClinGen allele CA408593005.

ClinVar aggregate classification (germline): Likely pathogenic (1 of 4 stars; one submission).

Conditions:
Immunodeficiency-centromeric instability-facial anomalies syndrome 1 (ICF1). Identifiers: Orphanet 2268, MedGen C4551557, MONDO:0009454, OMIM 242860.

Submission:

Laboratorio de Genetica e Diagnostico Molecular, Hospital Israelita Albert Einstein
Classification: Likely pathogenic for Immunodeficiency-centromeric instability-facial anomalies syndrome 1. Last evaluated: 2021-10-21. Review status: criteria provided, single submitter. Criteria: ACMG Guidelines, 2015. Collection method: clinical testing. Allele origin: germline. Affected: yes.
Comment: ACMG classification criteria: PS3 supporting, PS4 supporting, PM2 moderate, PM3 moderate, PP3 supporting